The following is an entry in ClinVar:

NM_000059.4(BRCA2):c.2980G>A (p.Ala994Thr)

Gene: BRCA2 (BRCA2 DNA repair associated; plus strand). Cytogenetic location: 13q13.1.
Variant type: single nucleotide variant.
Coding change: c.2980G>A on transcript NM_000059.4 (MANE Select); coding-DNA position 2980, G replaced by A.
Protein change: p.Ala994Thr; replaces alanine 994 with threonine.
Molecular consequence: missense variant.
Genome position (GRCh38, 1-based): chr13:32,337,335, G>A. VCF-style: chr13-32337335-G-A. GRCh37 (hg19) VCF-style: chr13-32911472-G-A.
Other names: short protein forms A994T.
Identifiers: ClinVar variation 142087 (VCV000142087.28), dbSNP rs587782223, ClinGen allele CA016949.
Genomic context (GRCh38, chr13:32,337,335, plus strand): 5'-GACATCTCCTTGAATATAGATAAAATACCAGAAAAAAATAATGATTACATGAACAAATGG[G>A]CAGGACTCTTAGGTCCAATTTCAAATCACAGTTTTGGAGGTAGCTTCAGAACAGCTTCAA-3'
Protein context (NP_000050.3, residues 984-1004): EKNNDYMNKW[Ala994Thr]GLLGPISNHS

ClinVar aggregate classification (germline): Conflicting classifications of pathogenicity. Review status: criteria provided, conflicting classifications (1 of 4 stars). 8 submissions from 8 submitters: Uncertain significance (7); Likely benign (1). Last evaluated 2025-09-21.

Conditions:
Hereditary cancer-predisposing syndrome. Also called: Neoplastic Syndromes, Hereditary; Hereditary Cancer Syndrome; Hereditary neoplastic syndrome; Tumor predisposition. Identifiers: Orphanet 140162, MedGen C0027672, MeSH D009386, MONDO:0015356.
Hereditary breast ovarian cancer syndrome. Also called: Hereditary breast and ovarian cancer syndrome; Hereditary breast and/or ovarian cancer syndrome; BRCA1- and BRCA2-Associated Hereditary Breast and Ovarian Cancer; Hereditary breast and ovarian cancer; Breast and ovarian cancer; Hereditary breast and ovarian cancer syndrome (HBOC). Identifiers: Orphanet 145, MedGen C0677776, MeSH D061325, MONDO:0003582. Disease mechanism: loss of function.
Breast-ovarian cancer, familial, susceptibility to, 2 (BROVCA2). Also called: BRCA2 Hereditary Breast and Ovarian Cancer. Identifiers: Orphanet 145, MedGen C2675520, MONDO:0012933, OMIM 612555. Disease mechanism: loss of function.

Allele frequency attached by ClinVar (database versions not stated): gnomAD exomes below 0.00001; TOPMed below 0.00001; gnomAD 0.00001.
gnomAD v4.1: 3 of 1,613,608 alleles (0.00019%); highest among the groups gnomAD compares: Non-Finnish European, 0.00025%; no homozygotes.

Submissions (8):

Ambry Genetics
Classification: Uncertain significance for Hereditary cancer-predisposing syndrome. Last evaluated: 2025-09-21. Review status: criteria provided, single submitter. Criteria: Ambry Variant Classification Scheme 2023. Collection method: clinical testing. Allele origin: germline.
Comment: The c.2980G>A (p.A994T) alteration is located in exon 11 (coding exon 10) of the BRCA2 gene. This alteration results from a G to A substitution at nucleotide position 2980, causing the alanine (A) at amino acid position 994 to be replaced by a threonine (T). Based on data from gnomAD, the A allele has an overall frequency of <0.001% (1/250492) total alleles studied. The highest observed frequency was 0.001% (1/113136) of European (non-Finnish) alleles. Based on insufficient or conflicting evidence, the clinical significance of this alteration remains unclear.

Women's Health and Genetics/Laboratory Corporation of America, LabCorp
Classification: Uncertain significance. Last evaluated: 2025-09-19. Review status: criteria provided, single submitter. Criteria: LabCorp Variant Classification Summary - May 2015. Collection method: clinical testing. Allele origin: germline.
Comment: Variant summary: BRCA2 c.2980G>A (p.Ala994Thr) results in a non-conservative amino acid change in the encoded protein sequence. Algorithms developed to predict the effect of missense changes on protein structure and function are either unavailable or do not agree on the potential impact of this missense change. The variant allele was found at a frequency of 4e-06 in 250492 control chromosomes. The available data on variant occurrences in the general population are insufficient to allow any conclusion about variant significance. To our knowledge, no occurrence of c.2980G>A in individuals affected with BRCA2-related conditions and no experimental evidence demonstrating its impact on protein function have been reported. The following publication has been ascertained in the context of this evaluation (PMID: 36243179). ClinVar contains an entry for this variant (Variation ID: 142087). Based on the evidence outlined above, the variant was classified as uncertain significance.

Labcorp Genetics (formerly Invitae), Labcorp
Classification: Uncertain significance for Hereditary breast ovarian cancer syndrome. Last evaluated: 2025-09-11. Review status: criteria provided, single submitter. Criteria: Invitae Variant Classification Sherloc (09022015). Collection method: clinical testing. Allele origin: germline.
Comment: This sequence change replaces alanine, which is neutral and non-polar, with threonine, which is neutral and polar, at codon 994 of the BRCA2 protein (p.Ala994Thr). This variant is present in population databases (rs587782223, gnomAD 0.0009%). This variant has not been reported in the literature in individuals affected with BRCA2-related conditions. ClinVar contains an entry for this variant (Variation ID: 142087). Invitae Evidence Modeling of protein sequence and biophysical properties (such as structural, functional, and spatial information, amino acid conservation, physicochemical variation, residue mobility, and thermodynamic stability) indicates that this missense variant is not expected to disrupt BRCA2 protein function with a negative predictive value of 95%. In summary, the available evidence is currently insufficient to determine the role of this variant in disease. Therefore, it has been classified as a Variant of Uncertain Significance.

Quest Diagnostics Nichols Institute San Juan Capistrano
Classification: Uncertain significance. Last evaluated: 2024-05-28. Review status: criteria provided, single submitter. Criteria: Quest Diagnostics criteria. Collection method: clinical testing. Allele origin: unknown.
Comment: The BRCA2 c.2980G>A (p.Ala994Thr) variant has been reported in the published literature in a reportedly healthy individual (PMID: 36243179 (2022)), and described to be located in a region of the BRCA2 gene that is tolerant to missense sequence changes (PMID: 31911673 (2020)). The frequency of this variant in the general population, 0.000004 (1/250492 chromosomes (Genome Aggregation Database)), is uninformative in the assessment of its pathogenicity. Analysis of this variant using bioinformatics tools for the prediction of the effect of amino acid changes on protein structure and function yielded predictions that this variant is benign. Based on the available information, we are unable to determine the clinical significance of this variant.

Color Diagnostics, LLC DBA Color Health
Classification: Uncertain significance for Hereditary cancer-predisposing syndrome. Last evaluated: 2024-03-26. Review status: criteria provided, single submitter. Criteria: ACMG Guidelines, 2015. Collection method: clinical testing. Allele origin: germline.
Comment: This missense variant replaces alanine with threonine at codon 994 of the BRCA2 protein. Computational prediction suggests that this variant may not impact protein structure and function. To our knowledge, functional studies have not been reported for this variant. This variant has not been reported in individuals affected with BRCA2-related disorders in the literature. This variant has been identified in 1/250492 chromosomes in the general population by the Genome Aggregation Database (gnomAD). The available evidence is insufficient to determine the role of this variant in disease conclusively. Therefore, this variant is classified as a Variant of Uncertain Significance.

All of Us Research Program, National Institutes of Health
Classification: Uncertain significance for Breast-ovarian cancer, familial, susceptibility to, 2. Last evaluated: 2023-04-03. Review status: criteria provided, single submitter. Criteria: ACMG Guidelines, 2015. Collection method: clinical testing. Allele origin: germline. Inheritance: Autosomal dominant inheritance. Observed: 1 variant allele, 1 heterozygote.
Comment: This missense variant replaces alanine with threonine at codon 994 of the BRCA2 protein. Computational prediction suggests that this variant may not impact protein structure and function (internally defined REVEL score threshold <= 0.5, PMID: 27666373). To our knowledge, functional studies have not been reported for this variant. This variant has not been reported in individuals affected with hereditary cancer in the literature. This variant has been identified in 1/250492 chromosomes in the general population by the Genome Aggregation Database (gnomAD). The available evidence is insufficient to determine the role of this variant in disease conclusively. Therefore, this variant is classified as a Variant of Uncertain Significance.

This study involves interpretation of variants in research participants for the purpose of population health screening. Participant phenotype was not available at the time of variant classification. Additional details can be found in publication PMID: 35346344, PMCID: PMC8962531

University of Washington Department of Laboratory Medicine, University of Washington
Classification: Likely benign for Hereditary cancer-predisposing syndrome. Last evaluated: 2023-03-23. Review status: criteria provided, single submitter. Criteria: Dines et al. (Genet Med. 2020). Collection method: curation. Allele origin: germline.
Comment: Missense variant in a coldspot region where missense variants are very unlikely to be pathogenic (PMID:31911673).

BRCA2 exon 11 coldspot. Reclassification based on statistical prior probability.

GeneDx
Classification: Uncertain significance. Last evaluated: 2022-11-30. Review status: criteria provided, single submitter. Criteria: GeneDx Variant Classification Process June 2021. Collection method: clinical testing. Allele origin: germline. Affected: yes.
Comment: Not observed at significant frequency in large population cohorts (gnomAD); In silico analysis supports that this missense variant does not alter protein structure/function; Has not been previously published as pathogenic or benign to our knowledge; Also known as 3208G>A

Literature cited by the submitters: PubMed 36243179 (cited by Women's Health and Genetics/Laboratory Corporation of America, LabCorp and Quest Diagnostics Nichols Institute San Juan Capistrano); PubMed 31911673 (cited by Quest Diagnostics Nichols Institute San Juan Capistrano).